The following is an entry in ClinVar:

NM_173354.5(SIK1):c.1250T>C (p.Leu417Ser)

Gene: SIK1 (salt inducible kinase 1; minus strand). Cytogenetic location: 21q22.3.
Variant type: single nucleotide variant.
Coding change: c.1250T>C on transcript NM_173354.5 (MANE Select); coding-DNA position 1250, T replaced by C.
Protein change: p.Leu417Ser; replaces leucine 417 with serine.
Molecular consequence: missense variant.
Genome position (GRCh38, 1-based): chr21:43,419,233, A>G on the plus strand (T>C on the coding strand, the complement: SIK1 is on the minus strand). VCF-style: chr21-43419233-A-G. GRCh37 (hg19) VCF-style: chr21-44839113-A-G.
Other names: short protein forms L417S.
Identifiers: ClinVar variation 3692730 (VCV003692730.2).
Genomic context (GRCh38, chr21:43,419,233, plus strand): 5'-CTTGGGGACACGGGCCGGGGCCGGAACACTCCGCTGCAGCTGGCATCCACCGGGAAGAAC[A>G]AGGGCTGCGTTGGAGAGACACAAGCCAGTGACTTCTCGGACTCCAGGTGACCCGGGCACA-3'
Protein context (NP_775490.2, residues 407-427): CELQSSLQWP[Leu417Ser]FFPVDASCSG

ClinVar aggregate classification (germline): Uncertain significance (1 of 4 stars; one submission).

Conditions:
Developmental and epileptic encephalopathy, 30 (DEE30). Also called: Epileptic encephalopathy, early infantile, 30. Identifiers: MedGen C4225360, MONDO:0014595, OMIM 616341.

Submission:

Labcorp Genetics (formerly Invitae), Labcorp
Classification: Uncertain significance for Developmental and epileptic encephalopathy, 30. Last evaluated: 2024-09-14. Review status: criteria provided, single submitter. Criteria: Invitae Variant Classification Sherloc (09022015). Collection method: clinical testing. Allele origin: germline.
Comment: This sequence change replaces leucine, which is neutral and non-polar, with serine, which is neutral and polar, at codon 417 of the SIK1 protein (p.Leu417Ser). The frequency data for this variant in the population databases is considered unreliable, as metrics indicate poor data quality at this position in the gnomAD database. This variant has not been reported in the literature in individuals affected with SIK1-related conditions. Invitae Evidence Modeling of protein sequence and biophysical properties (such as structural, functional, and spatial information, amino acid conservation, physicochemical variation, residue mobility, and thermodynamic stability) indicates that this missense variant is not expected to disrupt SIK1 protein function with a negative predictive value of 95%. In summary, the available evidence is currently insufficient to determine the role of this variant in disease. Therefore, it has been classified as a Variant of Uncertain Significance.